The following is an entry in ClinVar:

ClinVar aggregate classification (germline): Uncertain significance (1 of 4 stars; one submission).

gnomAD v4.1: 2 of 1,613,946 alleles (0.00012%); highest among the groups gnomAD compares: Non-Finnish European, 0.00017%; no homozygotes.

Submission:

Women's Health and Genetics/Laboratory Corporation of America, LabCorp
Classification: Uncertain significance. Last evaluated: 2025-09-29. Review status: criteria provided, single submitter. Criteria: LabCorp Variant Classification Summary - May 2015. Collection method: clinical testing. Allele origin: germline.
Comment: Variant summary: VCAN c.5590A>G (p.Lys1864Glu) results in a conservative amino acid change in the encoded protein sequence. Algorithms developed to predict the effect of missense changes on protein structure and function all suggest that this variant is likely to be tolerated. The variant was absent in 250720 control chromosomes. The available data on variant occurrences in the general population are insufficient to allow any conclusion about variant significance. To our knowledge, no occurrence of c.5590A>G in individuals affected with VCAN-related conditions and no experimental evidence demonstrating its impact on protein function have been reported. No submitters have cited clinical-significance assessments for this variant to ClinVar. Based on the evidence outlined above, the variant was classified as uncertain significance.

NM_004385.5(VCAN):c.5590A>G (p.Lys1864Glu)

Genes: VCAN (versican; plus strand), VCAN-AS1 (VCAN antisense RNA 1; minus strand). Cytogenetic location: 5q14.3.
Variant type: single nucleotide variant.
Coding change: c.5590A>G on transcript NM_004385.5 (MANE Select); coding-DNA position 5590, A replaced by G.
Protein change: p.Lys1864Glu; replaces lysine 1864 with glutamic acid.
Molecular consequence: missense variant. On other transcripts: intron variant (2).
Genome position (GRCh38, 1-based): chr5:83,538,593, A>G. VCF-style: chr5-83538593-A-G. GRCh37 (hg19) VCF-style: chr5-82834412-A-G.
Other names: c.2629A>G, p.Lys877Glu (NM_001164097.2); c.4004-6944A>G (NM_001164098.2); c.1043-6944A>G (NM_001126336.3); short protein forms K1864E, K877E.
Identifiers: ClinVar variation 4535784 (VCV004535784.1).